The following is an entry in ClinVar:

NM_001105206.3(LAMA4):c.1817+111G>A

Gene: LAMA4 (laminin subunit alpha 4; minus strand). Cytogenetic location: 6q21.
Variant type: single nucleotide variant.
Coding change: c.1817+111G>A on transcript NM_001105206.3 (MANE Select); 111 bases into the intron after coding-DNA position 1817, G replaced by A.
Molecular consequence: intron variant.
Genome position (GRCh38, 1-based): chr6:112,158,621, C>T on the plus strand (G>A on the coding strand, the complement: LAMA4 is on the minus strand). VCF-style: chr6-112158621-C-T. GRCh37 (hg19) VCF-style: chr6-112479823-C-T.
Other names: c.1796+111G>A (NM_002290.5, NM_001105207.3).
Identifiers: ClinVar variation 675337 (VCV000675337.2), dbSNP rs80155693, ClinGen allele CA144871556.

ClinVar aggregate classification (germline): Likely benign. Review status: criteria provided, multiple submitters, no conflicts (2 of 4 stars). 2 submissions from 2 submitters: Likely benign (2). Last evaluated 2018-06-16.

Allele frequency attached by ClinVar (database versions not stated): TOPMed 0.00400; 1000 Genomes Project 0.00499; 1000 Genomes Project 30x 0.00515; gnomAD 0.00549 and 0.00576; gnomAD exomes 0.00817.

Submissions (2):

GeneDx
Classification: Likely benign. Last evaluated: 2018-06-16. Review status: criteria provided, single submitter. Criteria: GeneDx Variant Classification (06012015). Collection method: clinical testing. Allele origin: germline. Affected: yes.
Comment: This variant is considered likely benign or benign based on one or more of the following criteria: it is a conservative change, it occurs at a poorly conserved position in the protein, it is predicted to be benign by multiple in silico algorithms, and/or has population frequency not consistent with disease.

Breakthrough Genomics
Classification: Likely benign. Review status: criteria provided, single submitter. Criteria: ACMG Guidelines, 2015. Collection method: not provided. Allele origin: germline. Inheritance: Autosomal dominant inheritance. Affected: yes.